The following is an entry in ClinVar:

NM_003079.5(SMARCE1):c.398A>G (p.Tyr133Cys)

Gene: SMARCE1 (SWI/SNF related BAF chromatin remodeling complex subunit E1; minus strand). Cytogenetic location: 17q21.2.
Variant type: single nucleotide variant.
Coding change: c.398A>G on transcript NM_003079.5 (MANE Select); coding-DNA position 398, A replaced by G.
Protein change: p.Tyr133Cys; replaces tyrosine 133 with cysteine.
Molecular consequence: missense variant.
Genome position (GRCh38, 1-based): chr17:40,636,074, T>C on the plus strand (A>G on the coding strand, the complement: SMARCE1 is on the minus strand). VCF-style: chr17-40636074-T-C. GRCh37 (hg19) VCF-style: chr17-38792326-T-C.
Other names: short protein forms Y133C.
Identifiers: ClinVar variation 1054917 (VCV001054917.9), dbSNP rs2143996507, ClinGen allele CA399366697.

ClinVar aggregate classification (germline): Uncertain significance (1 of 4 stars; one submission).

Conditions:
Familial meningioma. Also called: Meningioma, familial, susceptibility to. Identifiers: Orphanet 263662, MedGen C3551915, MONDO:0011789, OMIM 607174.

Submission:

Labcorp Genetics (formerly Invitae), Labcorp
Classification: Uncertain significance for Familial meningioma. Last evaluated: 2020-07-07. Review status: criteria provided, single submitter. Criteria: Invitae Variant Classification Sherloc (09022015). Collection method: clinical testing. Allele origin: germline.
Comment: In summary, the available evidence is currently insufficient to determine the role of this variant in disease. Therefore, it has been classified as a Variant of Uncertain Significance. Algorithms developed to predict the effect of missense changes on protein structure and function (SIFT, PolyPhen-2, Align-GVGD) all suggest that this variant is likely to be disruptive, but these predictions have not been confirmed by published functional studies and their clinical significance is uncertain. This variant has not been reported in the literature in individuals with SMARCE1-related conditions. This variant is not present in population databases (ExAC no frequency). This sequence change replaces tyrosine with cysteine at codon 133 of the SMARCE1 protein (p.Tyr133Cys). The tyrosine residue is highly conserved and there is a large physicochemical difference between tyrosine and cysteine.